The following is an entry in ClinVar:

ClinVar aggregate classification (germline): Likely benign. Review status: criteria provided, multiple submitters, no conflicts (2 of 4 stars). 3 submissions from 3 submitters: Likely benign (2). 1 of the submissions does not count toward it. Last evaluated 2018-06-16.

Conditions:
Arrhythmogenic right ventricular dysplasia 11. Also called: ARRHYTHMOGENIC RIGHT VENTRICULAR DYSPLASIA, FAMILIAL, 11; Arrhythmogenic right ventricular dysplasia 11 with mild palmoplantar keratoderma and woolly hair; Arrhythmogenic Right Ventricular Dysplasia/Cardiomyopathy11. Identifiers: MedGen C1864850, MONDO:0012506, OMIM 610476.

Allele frequency attached by ClinVar (database versions not stated): gnomAD 0.01170 and 0.01101; TOPMed 0.01255; 1000 Genomes Project 0.01398; gnomAD exomes 0.00140; 1000 Genomes Project 30x 0.01452.
gnomAD v4.1: 1,931 of 331,178 alleles (0.58%); highest among the groups gnomAD compares: African/African-American, 3.8%; 45 homozygotes.

Submissions (3):

GeneDx
Classification: Likely benign. Last evaluated: 2018-06-16. Review status: criteria provided, single submitter. Criteria: GeneDx Variant Classification (06012015). Collection method: clinical testing. Allele origin: germline. Affected: yes.
Comment: This variant is considered likely benign or benign based on one or more of the following criteria: it is a conservative change, it occurs at a poorly conserved position in the protein, it is predicted to be benign by multiple in silico algorithms, and/or has population frequency not consistent with disease.

Illumina Laboratory Services, Illumina
Classification: Likely benign for Arrhythmogenic right ventricular dysplasia 11. Last evaluated: 2018-01-13. Review status: criteria provided, single submitter. Criteria: ICSL Variant Classification Criteria 13 December 2019. Collection method: clinical testing. Allele origin: germline.
Comment: This variant was observed in the ICSL laboratory as part of a predisposition screen in an ostensibly healthy population. It had not been previously curated by ICSL or reported in the Human Gene Mutation Database (HGMD: prior to June 1st, 2018), and was therefore a candidate for classification through an automated scoring system. Utilizing variant allele frequency, disease prevalence and penetrance estimates, and inheritance mode, an automated score was calculated to assess if this variant is too frequent to cause the disease. Based on the score and internal cut-off values, a variant classified as likely benign is not then subjected to further curation. The score for this variant resulted in a classification of likely benign for this disease.

Laboratory for Molecular Medicine, Mass General Brigham Personalized Medicine
No classification provided. Last evaluated: 2012-03-02. Review status: no classification provided. Collection method: clinical testing. Allele origin: germline. Observed: 13 variant alleles. Not counted in ClinVar's aggregate classification.

NM_024422.6(DSC2):c.-298C>T

Genes: DSC2 (desmocollin 2; minus strand), DSCAS (DSC1/DSC2 antisense RNA; plus strand). Cytogenetic location: 18q12.1.
Variant type: single nucleotide variant.
Coding change: c.-298C>T on transcript NM_024422.6 (MANE Select); 298 bases upstream of the start codon, C replaced by T.
Molecular consequence: 5 prime UTR variant.
Genome position (GRCh38, 1-based): chr18:31,102,269, G>A on the plus strand (C>T on the coding strand, the complement: DSC2 is on the minus strand). VCF-style: chr18-31102269-G-A. GRCh37 (hg19) VCF-style: chr18-28682232-G-A.
Other names: c.-298C>T (NM_004949.5).
Identifiers: ClinVar variation 163197 (VCV000163197.9), dbSNP rs149977713, ClinGen allele CA022777.